The following is an entry in ClinVar:

NM_000038.6(APC):c.1383G>C (p.Glu461Asp)

Gene: APC (APC regulator of Wnt signaling pathway; plus strand). Cytogenetic location: 5q22.2.
Variant type: single nucleotide variant.
Coding change: c.1383G>C on transcript NM_000038.6 (MANE Select); coding-DNA position 1383, G replaced by C.
Protein change: p.Glu461Asp; replaces glutamic acid 461 with aspartic acid.
Molecular consequence: missense variant.
Genome position (GRCh38, 1-based): chr5:112,821,966, G>C. VCF-style: chr5-112821966-G-C. GRCh37 (hg19) VCF-style: chr5-112157663-G-C.
Other names: c.1383G>C, p.Glu461Asp (NM_001127510.3, NM_001354895.2, NM_001354896.2); c.1329G>C, p.Glu443Asp (NM_001127511.3); c.1413G>C, p.Glu471Asp (NM_001354897.2); c.1308G>C, p.Glu436Asp (NM_001354898.2); c.1299G>C, p.Glu433Asp (NM_001354899.2); c.1206G>C, p.Glu402Asp (NM_001354900.2, NM_001354901.2); c.1110G>C, p.Glu370Asp (NM_001354902.2); c.1080G>C, p.Glu360Asp (NM_001354903.2); and 3 more; short protein forms E178D, E443D, E402D, E461D, E471D, E335D, E301D, E360D.
Identifiers: ClinVar variation 819050 (VCV000819050.20), dbSNP rs1561546239, ClinGen allele CA16024335.

ClinVar aggregate classification (germline): Uncertain significance. Review status: criteria provided, multiple submitters, no conflicts (2 of 4 stars). 3 submissions from 3 submitters: Uncertain significance (3). Last evaluated 2025-01-10.

Conditions:
Familial adenomatous polyposis 1 (FAP1). Also called: FAMILIAL ADENOMATOUS POLYPOSIS 1, ATTENUATED; POLYPOSIS, ADENOMATOUS INTESTINAL. Identifiers: MedGen C2713442, MONDO:0021056, OMIM 175100. Disease mechanism: loss of function.
Hereditary cancer-predisposing syndrome. Also called: Tumor predisposition; Hereditary neoplastic syndrome; Neoplastic Syndromes, Hereditary; Hereditary Cancer Syndrome. Identifiers: Orphanet 140162, MedGen C0027672, MeSH D009386, MONDO:0015356.

Submissions (3):

Ambry Genetics
Classification: Uncertain significance for Hereditary cancer-predisposing syndrome. Last evaluated: 2025-01-10. Review status: criteria provided, single submitter. Criteria: Ambry Variant Classification Scheme 2023. Collection method: clinical testing. Allele origin: germline.
Comment: The p.E461D variant (also known as c.1383G>C), located in coding exon 10 of the APC gene, results from a G to C substitution at nucleotide position 1383. The glutamic acid at codon 461 is replaced by aspartic acid, an amino acid with highly similar properties. This amino acid position is highly conserved in available vertebrate species. In addition, in silico predictors for this gene do not accurately predict pathogenicity. Based on the available evidence, the clinical significance of this variant remains unclear.

Color Diagnostics, LLC DBA Color Health
Classification: Uncertain significance for Hereditary cancer-predisposing syndrome. Last evaluated: 2023-12-04. Review status: criteria provided, single submitter. Criteria: ACMG Guidelines, 2015. Collection method: clinical testing. Allele origin: germline.
Comment: This missense variant replaces glutamic acid with aspartic acid at codon 461 of the APC protein. Computational prediction suggests that this variant may not impact protein structure and function (internally defined REVEL score threshold <= 0.5, PMID: 27666373). To our knowledge, functional studies have not been reported for this variant. This variant has not been reported in individuals affected with APC-related disorders in the literature. This variant has not been identified in the general population by the Genome Aggregation Database (gnomAD). The available evidence is insufficient to determine the role of this variant in disease conclusively. Therefore, this variant is classified as a Variant of Uncertain Significance.

Labcorp Genetics (formerly Invitae), Labcorp
Classification: Uncertain significance for Familial adenomatous polyposis 1. Last evaluated: 2020-04-16. Review status: criteria provided, single submitter. Criteria: Invitae Variant Classification Sherloc (09022015). Collection method: clinical testing. Allele origin: germline.
Comment: In summary, the available evidence is currently insufficient to determine the role of this variant in disease. Therefore, it has been classified as a Variant of Uncertain Significance. Algorithms developed to predict the effect of missense changes on protein structure and function (SIFT, PolyPhen-2, Align-GVGD) all suggest that this variant is likely to be tolerated, but these predictions have not been confirmed by published functional studies and their clinical significance is uncertain. This variant has not been reported in the literature in individuals with APC-related conditions. This variant is not present in population databases (ExAC no frequency). This sequence change replaces glutamic acid with aspartic acid at codon 461 of the APC protein (p.Glu461Asp). The glutamic acid residue is highly conserved and there is a small physicochemical difference between glutamic acid and aspartic acid.